The following is an entry in ClinVar:

ClinVar aggregate classification (germline): Uncertain significance (1 of 4 stars; one submission).

Conditions:
Combined immunodeficiency due to LRBA deficiency. Also called: Common variable immunodeficiency 8, with autoimmunity. Identifiers: Orphanet 445018, MedGen C3553512, MONDO:0013863, OMIM 614700.

Submission:

Labcorp Genetics (formerly Invitae), Labcorp
Classification: Uncertain significance for Combined immunodeficiency due to LRBA deficiency. Last evaluated: 2025-03-01. Review status: criteria provided, single submitter. Criteria: Invitae Variant Classification Sherloc (09022015). Collection method: clinical testing. Allele origin: germline.
Comment: This sequence change replaces asparagine, which is neutral and polar, with histidine, which is basic and polar, at codon 2373 of the LRBA protein (p.Asn2373His). This variant is present in population databases (rs777679390, gnomAD 0.0009%). This variant has not been reported in the literature in individuals affected with LRBA-related conditions. Invitae Evidence Modeling of protein sequence and biophysical properties (such as structural, functional, and spatial information, amino acid conservation, physicochemical variation, residue mobility, and thermodynamic stability) indicates that this missense variant is expected to disrupt LRBA protein function with a positive predictive value of 80%. In summary, the available evidence is currently insufficient to determine the role of this variant in disease. Therefore, it has been classified as a Variant of Uncertain Significance.

NM_001364905.1(LRBA):c.7084A>C (p.Asn2362His)

Gene: LRBA (LPS responsive beige-like anchor protein; minus strand). Cytogenetic location: 4q31.3.
Variant type: single nucleotide variant.
Coding change: c.7084A>C on transcript NM_001364905.1 (MANE Select); coding-DNA position 7084, A replaced by C.
Protein change: p.Asn2362His; replaces asparagine 2362 with histidine.
Molecular consequence: missense variant.
Genome position (GRCh38, 1-based): chr4:150,415,548, T>G on the plus strand (A>C on the coding strand, the complement: LRBA is on the minus strand). VCF-style: chr4-150415548-T-G. GRCh37 (hg19) VCF-style: chr4-151336700-T-G.
Other names: c.7084A>C, p.Asn2362His (NM_001199282.3, NM_001367550.1, NM_001440431.1); c.7117A>C, p.Asn2373His (NM_001440430.1, NM_006726.5); c.787A>C, p.Asn263His (NM_001440432.1); c.781A>C, p.Asn261His (NM_001440433.1); short protein forms N2362H, N263H, N2373H, N261H.
Identifiers: ClinVar variation 4694367 (VCV004694367.1).